The following is an entry in ClinVar:

GRCh37/hg19 16q23.1(chr16:78395881-78468596)x3

Gene: WWOX (WW domain containing oxidoreductase; plus strand). Cytogenetic location: 16q23.1.
Variant type: copy number gain.
Change: copy number 3 (three copies instead of two) of chr16:78,395,881-78,468,596 (72.7 kb, GRCh37 coordinates, 1-based), cytogenetic band 16q23.1.
Identifiers: ClinVar variation 1328100 (VCV001328100.4).

ClinVar aggregate classification (germline): Likely pathogenic (1 of 4 stars; one submission).

Submission:

Illumina Laboratory Services, Illumina
Classification: Likely pathogenic. Last evaluated: 2021-11-03. Review status: criteria provided, single submitter. Criteria: ICSL CNVClassificationCriteria Aug2020. Collection method: clinical testing. Allele origin: unknown.
Comment: This CNV is a 73 kb duplication of 16q23.1, on chromosome 16 (seq[GRCh37]dup(16)(q23.1); chr16:g.78395881_78468596dup), which is inherited. This CNV constitutes a gain encompassing exons 6-8 of the WWOX gene. The breakpoints lie within introns 5 and 8 of the WWOX gene. This CNV has not been reported in the Genome Aggregation Database or in the DGV database (MacDonald et al. 2014). Exons 6-8 code for the dehydrogenase/reductase (SDR) domain (Banne et al. 2021). The WWOX gene is located on the second most fragile site in the human genome (Piard et al. 2019). Introns 5 and 8 of the WWOX gene are very large, covering 90% of the WWOX genomic sequence, and contain translocation breakpoints. Based on the collective evidence, this CNV is classified as likely pathogenic.

Literature cited by the submitters: PubMed 24174537; PubMed 30356099; PubMed 33916893.